The following is an entry in ClinVar:

ClinVar aggregate classification (germline): Uncertain significance (1 of 4 stars; one submission).

Conditions:
Baller-Gerold syndrome (BGS). Also called: CRANIOSYNOSTOSIS WITH RADIAL DEFECTS. Identifiers: Orphanet 1225, MedGen C0265308, MONDO:0009039, OMIM 218600.

Allele frequency attached by ClinVar (database versions not stated): gnomAD exomes below 0.00001.

Submission:

Labcorp Genetics (formerly Invitae), Labcorp
Classification: Uncertain significance for Baller-Gerold syndrome. Last evaluated: 2019-10-15. Review status: criteria provided, single submitter. Criteria: Invitae Variant Classification Sherloc (09022015). Collection method: clinical testing. Allele origin: germline.
Comment: This sequence change replaces phenylalanine with serine at codon 1108 of the RECQL4 protein (p.Phe1108Ser). The phenylalanine residue is highly conserved and there is a large physicochemical difference between phenylalanine and serine. This variant is not present in population databases (ExAC no frequency). This variant has not been reported in the literature in individuals with RECQL4-related conditions. Algorithms developed to predict the effect of missense changes on protein structure and function are either unavailable or do not agree on the potential impact of this missense change (SIFT: "Deleterious"; PolyPhen-2: "Not Available"; Align-GVGD: "Class C0"). In summary, the available evidence is currently insufficient to determine the role of this variant in disease. Therefore, it has been classified as a Variant of Uncertain Significance.

NM_004260.4(RECQL4):c.3323T>C (p.Phe1108Ser)

Gene: RECQL4 (RecQ like helicase 4; minus strand). Cytogenetic location: 8q24.3.
Variant type: single nucleotide variant.
Coding change: c.3323T>C on transcript NM_004260.4 (MANE Select); coding-DNA position 3323, T replaced by C.
Protein change: p.Phe1108Ser; replaces phenylalanine 1108 with serine.
Molecular consequence: missense variant.
Genome position (GRCh38, 1-based): chr8:144,511,981, A>G on the plus strand (T>C on the coding strand, the complement: RECQL4 is on the minus strand). VCF-style: chr8-144511981-A-G. GRCh37 (hg19) VCF-style: chr8-145737364-A-G.
Other names: short protein forms F1108S.
Identifiers: ClinVar variation 851677 (VCV000851677.5), dbSNP rs1332079370, ClinGen allele CA372668643.
Genomic context (GRCh38, chr8:144,511,981, plus strand): 5'-CCTGGCTCGGGGCCCTGTGCGTCCTCCATGCCTCCCGGCTCCTGCCCTTCCTCTTCCTCA[A>G]AGTAGCGGCCGAGCAGGTCCTTGAGCCTGGTGCTGCGCTCCTCATCCTGCTGCTCCAGGC-3'
Protein context (NP_004251.4, residues 1098-1118): TRLKDLLGRY[Phe1108Ser]EEEEGQEPGG